The following is an entry in ClinVar:

NM_182914.3(SYNE2):c.5792G>A (p.Cys1931Tyr)

Gene: SYNE2 (spectrin repeat containing nuclear envelope protein 2; plus strand). Cytogenetic location: 14q23.2.
Variant type: single nucleotide variant.
Coding change: c.5792G>A on transcript NM_182914.3 (MANE Select); coding-DNA position 5792, G replaced by A.
Protein change: p.Cys1931Tyr; replaces cysteine 1931 with tyrosine.
Molecular consequence: missense variant.
Genome position (GRCh38, 1-based): chr14:64,024,411, G>A. VCF-style: chr14-64024411-G-A. GRCh37 (hg19) VCF-style: chr14-64491129-G-A.
Other names: c.5792G>A, p.Cys1931Tyr (NM_015180.6); short protein forms C1931Y.
Identifiers: ClinVar variation 1419319 (VCV001419319.6), dbSNP rs2153537144, ClinGen allele CA389944217.

ClinVar aggregate classification (germline): Uncertain significance (1 of 4 stars; one submission).

Conditions:
Emery-Dreifuss muscular dystrophy 5, autosomal dominant (EDMD5). Also called: EMERY-DREIFUSS MUSCULAR DYSTROPHY 5. Identifiers: Orphanet 261, MedGen C2751805, MONDO:0013072, OMIM 612999.

gnomAD v4.1: 2 of 1,614,122 alleles (0.00012%); highest among the groups gnomAD compares: Non-Finnish European, 0.00017%; no homozygotes.

Submission:

Labcorp Genetics (formerly Invitae), Labcorp
Classification: Uncertain significance for Emery-Dreifuss muscular dystrophy 5, autosomal dominant. Last evaluated: 2021-11-18. Review status: criteria provided, single submitter. Criteria: Invitae Variant Classification Sherloc (09022015). Collection method: clinical testing. Allele origin: germline.
Comment: Algorithms developed to predict the effect of missense changes on protein structure and function are either unavailable or do not agree on the potential impact of this missense change (SIFT: "Tolerated"; PolyPhen-2: "Probably Damaging"; Align-GVGD: "Class C0"). In summary, the available evidence is currently insufficient to determine the role of this variant in disease. Therefore, it has been classified as a Variant of Uncertain Significance. This variant has not been reported in the literature in individuals affected with SYNE2-related conditions. This variant is not present in population databases (gnomAD no frequency). This sequence change replaces cysteine, which is neutral and slightly polar, with tyrosine, which is neutral and polar, at codon 1931 of the SYNE2 protein (p.Cys1931Tyr).